The following is an entry in ClinVar:

NM_018006.5(TRMU):c.88C>T (p.Gln30Ter)

Gene: TRMU (tRNA mitochondrial 2-thiouridylase; plus strand). Cytogenetic location: 22q13.31.
Variant type: single nucleotide variant.
Coding change: c.88C>T on transcript NM_018006.5 (MANE Select); coding-DNA position 88, C replaced by T.
Protein change: p.Gln30Ter; replaces glutamine 30 with a stop codon.
Molecular consequence: nonsense. On other transcripts: 5 prime UTR variant (3), non-coding transcript variant (2).
Genome position (GRCh38, 1-based): chr22:46,337,784, C>T. VCF-style: chr22-46337784-C-T. GRCh37 (hg19) VCF-style: chr22-46733681-C-T.
Other names: c.-148C>T (NM_001282782.2); c.-167C>T (NM_001282783.2, NM_001282784.2); c.88C>T, p.Gln30Ter (NM_001282785.2); short protein forms Q30*.
Identifiers: ClinVar variation 5014485 (VCV005014485.1).

ClinVar aggregate classification (germline): Pathogenic (1 of 4 stars; one submission).

Conditions:
Acute infantile liver failure due to synthesis defect of mtDNA-encoded proteins. Also called: Liver failure acute infantile; LIVER FAILURE, INFANTILE, TRANSIENT; TRMU Deficiency. Identifiers: Orphanet 217371, MedGen C3278664, MONDO:0013111, OMIM 613070.

Submission:

Myriad Genetics, Inc.
Classification: Pathogenic for Acute infantile liver failure due to synthesis defect of mtDNA-encoded proteins. Last evaluated: 2025-05-20. Review status: criteria provided, single submitter. Criteria: Myriad Autosomal Dominant, Autosomal Recessive and X-Linked Classification Criteria (2023). Collection method: clinical testing. Allele origin: unknown.
Comment: NM_018006.4(TRMU):c.88C>T(Q30*) is expected to be pathogenic in the context of acute liver failure, TRMU-related. This variant is predicted to lead to an abnormal or absent protein product due to the creation of a premature termination codon in TRMU, a gene where loss-of-function variants are known to be pathogenic. Please note: this variant was assessed in the context of healthy population screening.